The following is an entry in ClinVar:

ClinVar aggregate classification (germline): Uncertain significance (1 of 4 stars; one submission).

Conditions:
Hereditary cancer-predisposing syndrome. Also called: Tumor predisposition; Hereditary neoplastic syndrome; Hereditary Cancer Syndrome; Neoplastic Syndromes, Hereditary. Identifiers: Orphanet 140162, MedGen C0027672, MeSH D009386, MONDO:0015356.

Submission:

Ambry Genetics
Classification: Uncertain significance for Hereditary cancer-predisposing syndrome. Last evaluated: 2024-02-25. Review status: criteria provided, single submitter. Criteria: Ambry Variant Classification Scheme 2023. Collection method: clinical testing. Allele origin: germline.
Comment: The p.L305P variant (also known as c.914T>C), located in coding exon 6 of the CTNNA1 gene, results from a T to C substitution at nucleotide position 914. The leucine at codon 305 is replaced by proline, an amino acid with similar properties. This amino acid position is conserved. In addition, this alteration is predicted to be deleterious by in silico analysis. Based on the available evidence, the clinical significance of this alteration remains unclear.

NM_001903.5(CTNNA1):c.914T>C (p.Leu305Pro)

Gene: CTNNA1 (catenin alpha 1; plus strand). Cytogenetic location: 5q31.2.
Variant type: single nucleotide variant.
Coding change: c.914T>C on transcript NM_001903.5 (MANE Select); coding-DNA position 914, T replaced by C.
Protein change: p.Leu305Pro; replaces leucine 305 with proline.
Molecular consequence: missense variant.
Genome position (GRCh38, 1-based): chr5:138,827,570, T>C. VCF-style: chr5-138827570-T-C. GRCh37 (hg19) VCF-style: chr5-138163259-T-C.
Other names: c.914T>C, p.Leu305Pro (NM_001290307.3, NM_001323982.2, NM_001323983.1 and 3 more transcripts); c.605T>C, p.Leu202Pro (NM_001290309.3); c.545T>C, p.Leu182Pro (NM_001290310.3); short protein forms L182P, L202P, L305P.
Identifiers: ClinVar variation 3221925 (VCV003221925.1), dbSNP rs1760848142, ClinGen allele CA361130816.